The following is an entry in ClinVar:

NM_001110556.2(FLNA):c.7255C>G (p.Arg2419Gly)

Gene: FLNA (filamin A; minus strand). Cytogenetic location: Xq28.
Variant type: single nucleotide variant.
Coding change: c.7255C>G on transcript NM_001110556.2 (MANE Select); coding-DNA position 7255, C replaced by G.
Protein change: p.Arg2419Gly; replaces arginine 2419 with glycine.
Molecular consequence: missense variant.
Genome position (GRCh38, 1-based): chrX:154,350,109, G>C on the plus strand (C>G on the coding strand, the complement: FLNA is on the minus strand). VCF-style: chrX-154350109-G-C. GRCh37 (hg19) VCF-style: chrX-153578477-G-C.
Other names: c.7231C>G, p.Arg2411Gly (NM_001456.4); short protein forms R2411G, R2419G.
Identifiers: ClinVar variation 1373746 (VCV001373746.10), dbSNP rs782308324, ClinGen allele CA10559931.
Genomic context (GRCh38, chrX:154,350,109, plus strand): 5'-GACCTGCTCCGTAAGCAGACACCAAGCCTGGGTCCCCTCCATGCCCAGGCTCCCCAACTC[G>C]GATCTTGAAGGGGCTTCCAGGGATGTGGGTGCCGTTGAACTTGACGTCAATCAGGTAAAC-3'
Protein context (NP_001104026.1, residues 2409-2429): THIPGSPFKI[Arg2419Gly]VGEPGHGGDP

ClinVar aggregate classification (germline): Conflicting classifications of pathogenicity. Review status: criteria provided, conflicting classifications (1 of 4 stars). 2 submissions from 2 submitters: Uncertain significance (1); Likely benign (1). Last evaluated 2025-07-03.

Conditions:
Heterotopia, periventricular, X-linked dominant (PVNH1). Also called: PERIVENTRICULAR NODULAR HETEROTOPIA 4; HETEROTOPIA, PERIVENTRICULAR, 1; PERIVENTRICULAR NODULAR HETEROTOPIA 1; X-linked periventricular heterotopia. Identifiers: Orphanet 2149, Orphanet 82004, MedGen C1848213, MONDO:0010233, OMIM 300049.
Melnick-Needles syndrome (MNS). Also called: MELNICK-NEEDLES OSTEODYSPLASTY; OSTEODYSPLASTY OF MELNICK AND NEEDLES; Melnick-Needles Syndrome (FLNA-MNS). Identifiers: Orphanet 2484, MedGen C0025237, MONDO:0010650, OMIM 309350.
Frontometaphyseal dysplasia (FMD1). Identifiers: Orphanet 1826, MedGen C0265293, MONDO:0015942.
Oto-palato-digital syndrome, type II (OPD2). Also called: FACIOPALATOOSSEOUS SYNDROME; OPD II SYNDROME; Otopalatodigital Syndrome, Type II; Otopalatodigital Syndrome Type 2 (FLNA-OPD2). Identifiers: Orphanet 669, Orphanet 90652, MedGen C1844696, MONDO:0010571, OMIM 304120.
Familial thoracic aortic aneurysm and aortic dissection (TAAD). Also called: Thoracic aortic aneurysms and dissections. Identifiers: Orphanet 91387, MedGen C4707243, MONDO:0019625.

Submissions (2):

Labcorp Genetics (formerly Invitae), Labcorp
Classification: Likely benign for Oto-palato-digital syndrome, type II; Heterotopia, periventricular, X-linked dominant; Frontometaphyseal dysplasia; Melnick-Needles syndrome. Last evaluated: 2025-07-03. Review status: criteria provided, single submitter. Criteria: Invitae Variant Classification Sherloc (09022015). Collection method: clinical testing. Allele origin: germline.

Ambry Genetics
Classification: Uncertain significance for Familial thoracic aortic aneurysm and aortic dissection. Last evaluated: 2022-07-21. Review status: criteria provided, single submitter. Criteria: Ambry Variant Classification Scheme 2023. Collection method: clinical testing. Allele origin: germline.
Comment: The p.R2411G variant (also known as c.7231C>G), located in coding exon 43 of the FLNA gene, results from a C to G substitution at nucleotide position 7231. The arginine at codon 2411 is replaced by glycine, an amino acid with dissimilar properties. Based on data from gnomAD, the G allele has an overall frequency of 0.0005% (1/181724) total alleles studied, with 0 hemizygote(s) observed. The highest observed frequency was 0.001% (1/81453) of European (non-Finnish) alleles. This amino acid position is highly conserved in available vertebrate species. In addition, this alteration is predicted to be deleterious by in silico analysis. Since supporting evidence is limited at this time, the clinical significance of this alteration remains unclear.